The following is an entry in ClinVar:

ClinVar aggregate classification (germline): Uncertain significance (1 of 4 stars; one submission).

Conditions:
Fanconi anemia complementation group J. Also called: BRIP1-Related Fanconi Anemia. Identifiers: Orphanet 84, MedGen C1836860, MONDO:0012187, OMIM 609054.
Familial cancer of breast. Also called: BREAST CANCER, FAMILIAL; hereditary breast carcinoma; Hereditary breast cancer. Identifiers: Orphanet 227535, MedGen C0346153, MONDO:0016419, OMIM 114480. Disease mechanism: loss of function.

Submission:

Labcorp Genetics (formerly Invitae), Labcorp
Classification: Uncertain significance for Familial cancer of breast; Fanconi anemia complementation group J. Last evaluated: 2017-04-22. Review status: criteria provided, single submitter. Criteria: Invitae Variant Classification Sherloc (09022015). Collection method: clinical testing. Allele origin: germline.
Comment: This variant is not present in population databases (ExAC no frequency) and has not been reported in the literature in individuals with a BRIP1-related disease. This sequence change replaces lysine with arginine at codon 1232 of the BRIP1 protein (p.Lys1232Arg). The lysine residue is weakly conserved and there is a small physicochemical difference between lysine and arginine. Algorithms developed to predict the effect of missense changes on protein structure and function (SIFT, PolyPhen-2, Align-GVGD) all suggest that this variant is likely to be tolerated, but these predictions have not been confirmed by published functional studies. In summary, this variant is a novel missense change that is not predicted to affect protein function. There is no indication that it causes disease, but the available evidence is currently insufficient to prove that conclusively. Therefore, it has been classified as a Variant of Uncertain Significance.

NM_032043.3(BRIP1):c.3695A>G (p.Lys1232Arg)

Gene: BRIP1 (BRCA1 interacting DNA helicase 1; minus strand). Cytogenetic location: 17q23.2.
Variant type: single nucleotide variant.
Coding change: c.3695A>G on transcript NM_032043.3 (MANE Select); coding-DNA position 3695, A replaced by G.
Protein change: p.Lys1232Arg; replaces lysine 1232 with arginine.
Molecular consequence: missense variant.
Genome position (GRCh38, 1-based): chr17:61,683,351, T>C on the plus strand (A>G on the coding strand, the complement: BRIP1 is on the minus strand). VCF-style: chr17-61683351-T-C. GRCh37 (hg19) VCF-style: chr17-59760712-T-C.
Other names: short protein forms K1232R.
Identifiers: ClinVar variation 461164 (VCV000461164.9), dbSNP rs1555572446, ClinGen allele CA400477805.
Genomic context (GRCh38, chr17:61,683,351, plus strand): 5'-TATTATTACTTAAAACCAGGAAACATGCCTTTATTTTTGGAAGGAGATGGTTTAAAGTTC[T>C]TTATTTCTATTTCATGAGTTTTTCCCAGTTCCAGTTCATTTATCCAAGTTGTTTTTACAT-3'
Protein context (NP_114432.2, residues 1222-1242): ELGKTHEIEI[Lys1232Arg]NFKPSPSKNK